The following is an entry in ClinVar:

ClinVar aggregate classification (germline): Likely pathogenic (1 of 4 stars; one submission).

Conditions:
Retinitis pigmentosa (RP). Identifiers: Orphanet 791, MedGen C0035334, MeSH D012174, MONDO:0019200, OMIM 268000. Inheritance: Autosomal dominant, autosomal recessive and X linked inheritance.

Submission:

Advanced Center For Translational And Genetic Medicine, Ann & Robert H. Lurie Children's Hospital Of Chicago
Classification: Likely pathogenic for Retinitis pigmentosa. Last evaluated: 2024-07-29. Review status: criteria provided, single submitter. Criteria: ACMG Guidelines, 2015. Collection method: research, in vitro. Allele origin: maternal, not applicable. Affected: yes. Observed: 1 compound heterozygote. Functional consequence: loss_of_function_variant.
Comment: Well-established in vitro or in vivo functional studies supportive of a damaging effect on the gene or gene product (PS3), absent from gnomAD v4.1.0 (PM2), Multiple computational tools support deleterious effect, CADD=26.2 and Mutation Taster predicts Disease Causing (PP3)

NM_024899.4(CEP76):c.1432T>C (p.Cys478Arg)

Genes: CEP76 (centrosomal protein 76; minus strand), PSMG2 (proteasome assembly chaperone 2; plus strand). Cytogenetic location: 18p11.21.
Variant type: single nucleotide variant.
Coding change: c.1432T>C on transcript NM_024899.4 (MANE Select); coding-DNA position 1432, T replaced by C.
Protein change: p.Cys478Arg; replaces cysteine 478 with arginine.
Molecular consequence: missense variant. On other transcripts: non-coding transcript variant (1), intron variant (1).
Genome position (GRCh38, 1-based): chr18:12,678,300, A>G on the plus strand (T>C on the coding strand, the complement: CEP76 is on the minus strand). VCF-style: chr18-12678300-A-G. GRCh37 (hg19) VCF-style: chr18-12678299-A-G.
Other names: c.1207T>C, p.Cys403Arg (NM_001271989.2); c.-37+19527A>G (NM_147163.2); short protein forms C403R, C478R.
Identifiers: ClinVar variation 4075838 (VCV004075838.1).